The following is an entry in ClinVar:

ClinVar aggregate classification (germline): Uncertain significance. Review status: criteria provided, multiple submitters, no conflicts (2 of 4 stars). 4 submissions from 4 submitters: Uncertain significance (4). Last evaluated 2025-10-27.

Conditions:
Familial adenomatous polyposis 1 (FAP1). Also called: FAMILIAL ADENOMATOUS POLYPOSIS 1, ATTENUATED; POLYPOSIS, ADENOMATOUS INTESTINAL. Identifiers: MedGen C2713442, MONDO:0021056, OMIM 175100. Disease mechanism: loss of function.
Hereditary cancer-predisposing syndrome. Also called: Tumor predisposition; Hereditary neoplastic syndrome; Hereditary Cancer Syndrome; Neoplastic Syndromes, Hereditary. Identifiers: Orphanet 140162, MedGen C0027672, MeSH D009386, MONDO:0015356.

Submissions (4):

Color Diagnostics, LLC DBA Color Health
Classification: Uncertain significance for Hereditary cancer-predisposing syndrome. Last evaluated: 2025-10-27. Review status: criteria provided, single submitter. Criteria: ACMG Guidelines, 2015. Collection method: clinical testing. Allele origin: germline.
Comment: This missense variant replaces lysine with glutamic acid at codon 1245 of the APC protein. Computational prediction suggests that this variant may not impact protein structure and function. APC is defined as a gene for which primarily truncating variants are known to cause disease (ClinGen HCCP VCEP). To our knowledge, functional studies have not been reported for this variant. This variant has not been reported in individuals affected with APC-related disorders in the literature. This variant has not been identified in the general population by the Genome Aggregation Database (gnomAD). The available evidence is insufficient to determine the role of this variant in disease conclusively. Therefore, this variant is classified as a Variant of Uncertain Significance.

Labcorp Genetics (formerly Invitae), Labcorp
Classification: Uncertain significance for Familial adenomatous polyposis 1. Last evaluated: 2025-07-21. Review status: criteria provided, single submitter. Criteria: Invitae Variant Classification Sherloc (09022015). Collection method: clinical testing. Allele origin: germline.
Comment: This sequence change replaces lysine, which is basic and polar, with glutamic acid, which is acidic and polar, at codon 1245 of the APC protein (p.Lys1245Glu). This variant is not present in population databases (gnomAD no frequency). This variant has not been reported in the literature in individuals affected with APC-related conditions. ClinVar contains an entry for this variant (Variation ID: 1171096). Invitae Evidence Modeling of protein sequence and biophysical properties (such as structural, functional, and spatial information, amino acid conservation, physicochemical variation, residue mobility, and thermodynamic stability) indicates that this missense variant is not expected to disrupt APC protein function with a negative predictive value of 95%. In summary, the available evidence is currently insufficient to determine the role of this variant in disease. Therefore, it has been classified as a Variant of Uncertain Significance.

Ambry Genetics
Classification: Uncertain significance for Hereditary cancer-predisposing syndrome. Last evaluated: 2025-05-17. Review status: criteria provided, single submitter. Criteria: Ambry Variant Classification Scheme 2023. Collection method: clinical testing. Allele origin: germline.
Comment: The p.K1245E variant (also known as c.3733A>G), located in coding exon 15 of the APC gene, results from an A to G substitution at nucleotide position 3733. The lysine at codon 1245 is replaced by glutamic acid, an amino acid with similar properties. This amino acid position is well conserved in available vertebrate species. In addition, in silico predictors for this gene do not accurately predict pathogenicity. Since supporting evidence is limited at this time, the clinical significance of this alteration remains unclear.

Molecular Pathology, Peter Maccallum Cancer Centre
Classification: Uncertain significance for Familial adenomatous polyposis 1. Last evaluated: 2024-12-02. Review status: criteria provided, single submitter. Criteria: ACMG Guidelines, 2015. Collection method: clinical testing. Allele origin: germline. Inheritance: Autosomal dominant inheritance.

NM_000038.6(APC):c.3733A>G (p.Lys1245Glu)

Gene: APC (APC regulator of Wnt signaling pathway; plus strand). Cytogenetic location: 5q22.2.
Variant type: single nucleotide variant.
Coding change: c.3733A>G on transcript NM_000038.6 (MANE Select); coding-DNA position 3733, A replaced by G.
Protein change: p.Lys1245Glu; replaces lysine 1245 with glutamic acid.
Molecular consequence: missense variant.
Genome position (GRCh38, 1-based): chr5:112,839,327, A>G. VCF-style: chr5-112839327-A-G. GRCh37 (hg19) VCF-style: chr5-112175024-A-G.
Other names: c.3733A>G, p.Lys1245Glu (NM_001127510.3, NM_001354895.2); c.3679A>G, p.Lys1227Glu (NM_001127511.3); c.3787A>G, p.Lys1263Glu (NM_001354896.2); c.3763A>G, p.Lys1255Glu (NM_001354897.2); c.3658A>G, p.Lys1220Glu (NM_001354898.2); c.3649A>G, p.Lys1217Glu (NM_001354899.2); c.3610A>G, p.Lys1204Glu (NM_001354900.2); c.3556A>G, p.Lys1186Glu (NM_001354901.2); and 5 more; short protein forms K1085E, K1119E, K1144E, K1154E, K1186E, K1204E, K1217E, K1220E.
Identifiers: ClinVar variation 1171096 (VCV001171096.12), dbSNP rs2149897987, ClinGen allele CA16029524.